The following is an entry in ClinVar:

ClinVar aggregate classification (germline): Likely pathogenic (1 of 4 stars; one submission).

Allele frequency attached by ClinVar (database versions not stated): gnomAD exomes below 0.00001; ExAC 0.00001.
gnomAD v4.1: 2 of 1,612,724 alleles (0.00012%); highest among the groups gnomAD compares: Admixed American, 0.0033%; no homozygotes.

Submission:

Labcorp Genetics (formerly Invitae), Labcorp
Classification: Likely pathogenic. Last evaluated: 2023-10-11. Review status: criteria provided, single submitter. Criteria: Invitae Variant Classification Sherloc (09022015). Collection method: clinical testing. Allele origin: germline.
Comment: This sequence change affects an acceptor splice site in intron 4 of the TGM5 gene. It is expected to disrupt RNA splicing. Variants that disrupt the donor or acceptor splice site typically lead to a loss of protein function (PMID: 16199547), and loss-of-function variants in TGM5 are known to be pathogenic (PMID: 22622422, 25644735). This variant is present in population databases (rs774897097, gnomAD 0.003%). This variant has not been reported in the literature in individuals affected with TGM5-related conditions. ClinVar contains an entry for this variant (Variation ID: 1068290). Algorithms developed to predict the effect of sequence changes on RNA splicing suggest that this variant may disrupt the consensus splice site. In summary, the currently available evidence indicates that the variant is pathogenic, but additional data are needed to prove that conclusively. Therefore, this variant has been classified as Likely Pathogenic.

Literature cited by the submitters: PubMed 16199547; PubMed 22622422; PubMed 25644735.

NM_201631.4(TGM5):c.556-1G>C

Gene: TGM5 (transglutaminase 5; minus strand). Cytogenetic location: 15q15.2.
Variant type: single nucleotide variant.
Coding change: c.556-1G>C on transcript NM_201631.4 (MANE Select); the canonical splice acceptor site of the intron before coding-DNA position 556, G replaced by C.
Molecular consequence: splice acceptor variant.
Genome position (GRCh38, 1-based): chr15:43,253,635, C>G on the plus strand (G>C on the coding strand, the complement: TGM5 is on the minus strand). VCF-style: chr15-43253635-C-G. GRCh37 (hg19) VCF-style: chr15-43545833-C-G.
Other names: c.310-1G>C (NM_004245.4).
Identifiers: ClinVar variation 1068290 (VCV001068290.7), dbSNP rs774897097, ClinGen allele CA7521296.